The following is an entry in ClinVar:

ClinVar aggregate classification (germline): Uncertain significance (1 of 4 stars; one submission).

Conditions:
Catecholaminergic polymorphic ventricular tachycardia 1. Also called: VENTRICULAR TACHYCARDIA, STRESS-INDUCED POLYMORPHIC 1; VENTRICULAR TACHYCARDIA, CATECHOLAMINERGIC POLYMORPHIC, 1, WITH OR WITHOUT ATRIAL DYSFUNCTION AND/OR DILATED CARDIOMYOPATHY; RYR2-Related Catecholaminergic Polymorphic Ventricular Tachycardia. Identifiers: Orphanet 3286, MedGen C1631597, MONDO:0011484, OMIM 604772.

Submission:

Labcorp Genetics (formerly Invitae), Labcorp
Classification: Uncertain significance for Catecholaminergic polymorphic ventricular tachycardia 1. Last evaluated: 2021-07-31. Review status: criteria provided, single submitter. Criteria: Invitae Variant Classification Sherloc (09022015). Collection method: clinical testing. Allele origin: germline.
Comment: This variant has not been reported in the literature in individuals affected with RYR2-related conditions. Advanced modeling of protein sequence and biophysical properties (such as structural, functional, and spatial information, amino acid conservation, physicochemical variation, residue mobility, and thermodynamic stability) performed at Invitae indicates that this missense variant is expected to disrupt RYR2 protein function. In summary, the available evidence is currently insufficient to determine the role of this variant in disease. Therefore, it has been classified as a Variant of Uncertain Significance. This sequence change replaces valine with leucine at codon 4190 of the RYR2 protein (p.Val4190Leu). The valine residue is highly conserved and there is a small physicochemical difference between valine and leucine. This variant is not present in population databases (ExAC no frequency).

NM_001035.3(RYR2):c.12568G>C (p.Val4190Leu)

Genes: RYR2 (ryanodine receptor 2; plus strand), LOC126806068 (BRD4-independent group 4 enhancer GRCh37_chr1:237947411-237948610; plus strand). Cytogenetic location: 1q43.
Variant type: single nucleotide variant.
Coding change: c.12568G>C on transcript NM_001035.3 (MANE Select); coding-DNA position 12568, G replaced by C.
Protein change: p.Val4190Leu; replaces valine 4190 with leucine.
Molecular consequence: missense variant.
Genome position (GRCh38, 1-based): chr1:237,784,280, G>C. VCF-style: chr1-237784280-G-C. GRCh37 (hg19) VCF-style: chr1-237947580-G-C.
Other names: short protein forms V4190L.
Identifiers: ClinVar variation 1371234 (VCV001371234.7), dbSNP rs1308975705, ClinGen allele CA345413645.